The following is an entry in ClinVar:

NM_002047.4(GARS1):c.1922A>G (p.His641Arg)

Gene: GARS1 (glycyl-tRNA synthetase 1; plus strand). Cytogenetic location: 7p14.3.
Variant type: single nucleotide variant.
Coding change: c.1922A>G on transcript NM_002047.4 (MANE Select); coding-DNA position 1922, A replaced by G.
Protein change: p.His641Arg; replaces histidine 641 with arginine.
Molecular consequence: missense variant.
Genome position (GRCh38, 1-based): chr7:30,632,265, A>G. VCF-style: chr7-30632265-A-G. GRCh37 (hg19) VCF-style: chr7-30671881-A-G.
Other names: c.1760A>G, p.His587Arg (NM_001316772.1); short protein forms H587R, H641R.
Identifiers: ClinVar variation 4806772 (VCV004806772.1).

ClinVar aggregate classification (germline): Uncertain significance (1 of 4 stars; one submission).

Conditions:
Charcot-Marie-Tooth disease type 2. Also called: Charcot-Marie-Tooth type 2. Identifiers: Orphanet 64746, MedGen C0270914, MONDO:0018993.

gnomAD v4.1: 12 of 1,614,080 alleles (0.00074%); highest among the groups gnomAD compares: Admixed American, 0.0017%; no homozygotes.

Submission:

Labcorp Genetics (formerly Invitae), Labcorp
Classification: Uncertain significance for Charcot-Marie-Tooth disease type 2. Last evaluated: 2025-02-06. Review status: criteria provided, single submitter. Criteria: Invitae Variant Classification Sherloc (09022015). Collection method: clinical testing. Allele origin: germline.
Comment: This sequence change replaces histidine, which is basic and polar, with arginine, which is basic and polar, at codon 641 of the GARS protein (p.His641Arg). This variant is not present in population databases (gnomAD no frequency). This variant has not been reported in the literature in individuals affected with GARS-related conditions. Invitae Evidence Modeling of protein sequence and biophysical properties (such as structural, functional, and spatial information, amino acid conservation, physicochemical variation, residue mobility, and thermodynamic stability) indicates that this missense variant is not expected to disrupt GARS protein function with a negative predictive value of 95%. In summary, the available evidence is currently insufficient to determine the role of this variant in disease. Therefore, it has been classified as a Variant of Uncertain Significance.